The following is an entry in ClinVar:

NM_001371986.1(UNC80):c.2528G>A (p.Arg843Gln)

Gene: UNC80 (unc-80 subunit of NALCN channel complex; plus strand). Cytogenetic location: 2q34.
Variant type: single nucleotide variant.
Coding change: c.2528G>A on transcript NM_001371986.1 (MANE Select); coding-DNA position 2528, G replaced by A.
Protein change: p.Arg843Gln; replaces arginine 843 with glutamine.
Molecular consequence: missense variant.
Genome position (GRCh38, 1-based): chr2:209,829,281, G>A. VCF-style: chr2-209829281-G-A. GRCh37 (hg19) VCF-style: chr2-210694005-G-A.
Other names: c.2528G>A (NM_032504.1); c.2528G>A, p.Arg843Gln (NM_032504.2); c.2513G>A, p.Arg838Gln (NM_182587.4); short protein forms R838Q, R843Q.
Identifiers: ClinVar variation 1351218 (VCV001351218.8), dbSNP rs1157578030, ClinGen allele CA350137611.

ClinVar aggregate classification (germline): Uncertain significance. Review status: criteria provided, multiple submitters, no conflicts (2 of 4 stars). 2 submissions from 2 submitters: Uncertain significance (2). Last evaluated 2023-10-13.

Conditions:
Hypotonia, infantile, with psychomotor retardation and characteristic facies 2 (IHPRF2). Also called: UNC80 Deficiency. Identifiers: Orphanet 371364, Orphanet 700333, MedGen C4225203, MONDO:0014777, OMIM 616801.

Allele frequency attached by ClinVar (database versions not stated): TOPMed below 0.00001; gnomAD 0.00001; gnomAD exomes 0.00001.
gnomAD v4.1: 10 of 1,551,254 alleles (0.00064%); highest among the groups gnomAD compares: Non-Finnish European, 0.00087%; no homozygotes.

Submissions (2):

Labcorp Genetics (formerly Invitae), Labcorp
Classification: Uncertain significance. Last evaluated: 2023-10-13. Review status: criteria provided, single submitter. Criteria: Invitae Variant Classification Sherloc (09022015). Collection method: clinical testing. Allele origin: germline.
Comment: This sequence change replaces arginine with glutamine at codon 843 of the UNC80 protein (p.Arg843Gln). The arginine residue is weakly conserved and there is a small physicochemical difference between arginine and glutamine. This variant is present in population databases (no rsID available, gnomAD 0.002%). This variant has not been reported in the literature in individuals affected with UNC80-related conditions. ClinVar contains an entry for this variant (Variation ID: 1351218). An algorithm developed to predict the effect of missense changes on protein structure and function (PolyPhen-2) suggests that this variant is likely to be disruptive. In summary, the available evidence is currently insufficient to determine the role of this variant in disease. Therefore, it has been classified as a Variant of Uncertain Significance.

Revvity Omics, Revvity
Classification: Uncertain significance for Hypotonia, infantile, with psychomotor retardation and characteristic facies 2. Last evaluated: 2021-04-13. Review status: criteria provided, single submitter. Criteria: ACMG Guidelines, 2015. Collection method: clinical testing. Allele origin: germline.